The following is an entry in ClinVar:

ClinVar aggregate classification (germline): Likely benign (0 of 4 stars; one submission).

Conditions:
MUC16-related disorder. Also called: MUC16-related condition.

Allele frequency attached by ClinVar (database versions not stated): gnomAD exomes 0.00008; 1000 Genomes Project 30x 0.00016; 1000 Genomes Project 0.00020; ExAC 0.00020; gnomAD 0.00064; TOPMed 0.00080; ESP Exome Variant Server 0.00090.

Submission:

PreventionGenetics, part of Exact Sciences
Classification: Likely benign for MUC16-related condition. Last evaluated: 2019-09-10. Review status: no assertion criteria provided. Collection method: clinical testing. Allele origin: germline.
Comment: This variant is classified as likely benign based on ACMG/AMP sequence variant interpretation guidelines (Richards et al. 2015 PMID: 25741868, with internal and published modifications).

NM_001401501.2(MUC16):c.918C>T (p.Ser306=)

Gene: MUC16 (mucin 16, cell surface associated; minus strand). Cytogenetic location: 19p13.2.
Variant type: single nucleotide variant.
Coding change: c.918C>T on transcript NM_001401501.2 (MANE Select); coding-DNA position 918, C replaced by T.
Protein change: p.Ser306=; no amino-acid change (serine 306 retained).
Molecular consequence: synonymous variant.
Genome position (GRCh38, 1-based): chr19:8,980,341, G>A on the plus strand (C>T on the coding strand, the complement: MUC16 is on the minus strand). VCF-style: chr19-8980341-G-A. GRCh37 (hg19) VCF-style: chr19-9091017-G-A.
Other names: c.1344C>T, p.Ser448= (NM_001414686.1); c.798C>T, p.Ser266= (NM_001414687.1, NM_024690.2).
Identifiers: ClinVar variation 3052463 (VCV003052463.2), dbSNP rs372413966, ClinGen allele CA9173536.